The following is an entry in ClinVar:

ClinVar aggregate classification (germline): Benign/Likely benign. Review status: criteria provided, multiple submitters, no conflicts (2 of 4 stars). 11 submissions from 10 submitters: Benign (9); Likely benign (1). 1 of the submissions does not count toward it. Last evaluated 2026-02-04.

Conditions:
Wiskott-Aldrich syndrome (WAS). Also called: Wiskott-aldrich syndrome, somatic; WISKOTT-ALDRICH SYNDROME 1; ALDRICH SYNDROME; IMMUNODEFICIENCY 2. Identifiers: Orphanet 906, MedGen C0043194, MONDO:0010518, OMIM 301000.
Werner syndrome (WRN). Identifiers: Orphanet 902, MedGen C0043119, MONDO:0010196, OMIM 277700.

Allele frequency attached by ClinVar (database versions not stated): gnomAD exomes 0.05656; 1000 Genomes Project 30x 0.07433; 1000 Genomes Project 0.07468; ExAC 0.07511; TOPMed 0.07648; gnomAD 0.07689 and 0.07869; ESP Exome Variant Server 0.08005.
gnomAD v4.1: 101,393 of 1,607,294 alleles (6.3%); highest among the groups gnomAD compares: African/African-American, 13%; 3,545 homozygotes.

Submissions (27):

Labcorp Genetics (formerly Invitae), Labcorp
Classification: Benign for Werner syndrome. Last evaluated: 2026-02-04. Review status: criteria provided, single submitter. Criteria: Invitae Variant Classification Sherloc (09022015). Collection method: clinical testing. Allele origin: germline.

KCCC/NGS Laboratory, Kuwait Cancer Control Center
Classification: Benign for Werner syndrome. Last evaluated: 2025-02-01. Review status: criteria provided, single submitter. Criteria: ACMG Guidelines, 2015. Collection method: clinical testing. Allele origin: germline. Affected: no.

Blueprint Genetics
Classification: Likely benign. Last evaluated: 2024-11-27. Review status: criteria provided, single submitter. Criteria: ACMG Guidelines, 2015. Collection method: clinical testing. Allele origin: germline.

KCCC/NGS Laboratory, Kuwait Cancer Control Center
Classification: Benign for Wiskott-Aldrich syndrome. Last evaluated: 2023-07-07. Review status: criteria provided, single submitter. Criteria: ACMG Guidelines, 2015. Collection method: clinical testing. Allele origin: germline. Affected: yes.

Mayo Clinic Laboratories, Mayo Clinic
Classification: Benign. Last evaluated: 2022-05-01. Review status: criteria provided, single submitter. Criteria: ACMG Guidelines, 2015. Collection method: clinical testing. Allele origin: germline. Observed: 62 variant alleles.

Genome-Nilou Lab
Classification: Benign for Werner syndrome. Last evaluated: 2021-12-05. Review status: criteria provided, single submitter. Criteria: ACMG Guidelines, 2015. Collection method: clinical testing. Allele origin: germline. Affected: no.

GeneDx
Classification: Benign. Last evaluated: 2018-05-01. Review status: criteria provided, single submitter. Criteria: GeneDx Variant Classification (06012015). Collection method: clinical testing. Allele origin: germline. Affected: yes.
Comment: This variant is considered likely benign or benign based on one or more of the following criteria: it is a conservative change, it occurs at a poorly conserved position in the protein, it is predicted to be benign by multiple in silico algorithms, and/or has population frequency not consistent with disease.

Illumina Laboratory Services, Illumina
Classification: Benign for Werner syndrome. Last evaluated: 2018-01-13. Review status: criteria provided, single submitter. Criteria: ICSL Variant Classification Criteria 13 December 2019. Collection method: clinical testing. Allele origin: germline.
Comment: This variant was observed in the ICSL laboratory as part of a predisposition screen in an ostensibly healthy population. It had not been previously curated by ICSL or reported in the Human Gene Mutation Database (HGMD: prior to June 1st, 2018), and was therefore a candidate for classification through an automated scoring system. Utilizing variant allele frequency, disease prevalence and penetrance estimates, and inheritance mode, an automated score was calculated to assess if this variant is too frequent to cause the disease. Based on the score and internal cut-off values, a variant classified as benign is not then subjected to further curation. The score for this variant resulted in a classification of benign for this disease.

Breakthrough Genomics
Classification: Benign. Review status: criteria provided, single submitter. Criteria: ACMG Guidelines, 2015. Collection method: not provided. Allele origin: germline. Inheritance: Autosomal recessive inheritance. Affected: yes.

PreventionGenetics, part of Exact Sciences
Classification: Benign. Review status: criteria provided, single submitter. Criteria: ACMG Guidelines, 2015. Collection method: clinical testing. Allele origin: germline.

Dr. Peter K. Rogan Lab, Western University
No classification provided (evidence only). Condition: Melanoma. Review status: no classification provided. Collection method: in vitro. Allele origin: not applicable. Functional consequence: retained intron. Not counted in ClinVar's aggregate classification.

Dr. Peter K. Rogan Lab, Western University
No classification provided (evidence only). Condition: Melanoma. Review status: no classification provided. Collection method: in vitro. Allele origin: not applicable. Functional consequence: retained intron. Not counted in ClinVar's aggregate classification.

Dr. Peter K. Rogan Lab, Western University
No classification provided (evidence only). Condition: Colorectal cancer. Review status: no classification provided. Collection method: in vitro. Allele origin: not applicable. Functional consequence: retained intron. Not counted in ClinVar's aggregate classification.

Dr. Peter K. Rogan Lab, Western University
No classification provided (evidence only). Condition: Colorectal cancer. Review status: no classification provided. Collection method: in vitro. Allele origin: not applicable. Functional consequence: retained intron. Not counted in ClinVar's aggregate classification.

Dr. Peter K. Rogan Lab, Western University
No classification provided (evidence only). Condition: Colorectal cancer. Review status: no classification provided. Collection method: in vitro. Allele origin: not applicable. Functional consequence: retained intron. Not counted in ClinVar's aggregate classification.

Dr. Peter K. Rogan Lab, Western University
No classification provided (evidence only). Condition: Hepatocellular carcinoma. Review status: no classification provided. Collection method: in vitro. Allele origin: not applicable. Functional consequence: retained intron. Not counted in ClinVar's aggregate classification.

Dr. Peter K. Rogan Lab, Western University
No classification provided (evidence only). Condition: Nonpapillary renal cell carcinoma. Review status: no classification provided. Collection method: in vitro. Allele origin: not applicable. Functional consequence: retained intron. Not counted in ClinVar's aggregate classification.

Dr. Peter K. Rogan Lab, Western University
No classification provided (evidence only). Condition: Thymoma. Review status: no classification provided. Collection method: in vitro. Allele origin: not applicable. Functional consequence: retained intron. Not counted in ClinVar's aggregate classification.

Dr. Peter K. Rogan Lab, Western University
No classification provided (evidence only). Condition: Uterine carcinosarcoma. Review status: no classification provided. Collection method: in vitro. Allele origin: not applicable. Functional consequence: retained intron. Not counted in ClinVar's aggregate classification.

Dr. Peter K. Rogan Lab, Western University
No classification provided (evidence only). Condition: Nonpapillary renal cell carcinoma. Review status: no classification provided. Collection method: in vitro. Allele origin: not applicable. Functional consequence: retained intron. Not counted in ClinVar's aggregate classification.

Dr. Peter K. Rogan Lab, Western University
No classification provided (evidence only). Condition: Familial pancreatic carcinoma. Review status: no classification provided. Collection method: in vitro. Allele origin: not applicable. Functional consequence: retained intron. Not counted in ClinVar's aggregate classification.

Dr. Peter K. Rogan Lab, Western University
No classification provided (evidence only). Condition: Familial pancreatic carcinoma. Review status: no classification provided. Collection method: in vitro. Allele origin: not applicable. Functional consequence: retained intron. Not counted in ClinVar's aggregate classification.

Dr. Peter K. Rogan Lab, Western University
No classification provided (evidence only). Condition: Familial pancreatic carcinoma. Review status: no classification provided. Collection method: in vitro. Allele origin: not applicable. Functional consequence: retained intron. Not counted in ClinVar's aggregate classification.

Dr. Peter K. Rogan Lab, Western University
No classification provided (evidence only). Condition: Familial pancreatic carcinoma. Review status: no classification provided. Collection method: in vitro. Allele origin: not applicable. Functional consequence: retained intron. Not counted in ClinVar's aggregate classification.

Dr. Peter K. Rogan Lab, Western University
No classification provided (evidence only). Condition: Familial pancreatic carcinoma. Review status: no classification provided. Collection method: in vitro. Allele origin: not applicable. Functional consequence: skipped exon, retained intron. Not counted in ClinVar's aggregate classification.

Dr. Peter K. Rogan Lab, Western University
No classification provided (evidence only). Condition: Lymphoma. Review status: no classification provided. Collection method: in vitro. Allele origin: not applicable. Functional consequence: retained intron. Not counted in ClinVar's aggregate classification.

Genetic Services Laboratory, University of Chicago
Classification: Likely benign for AllHighlyPenetrant. Review status: no assertion criteria provided. Collection method: clinical testing. Allele origin: germline. Inheritance: Autosomal recessive inheritance. Not counted in ClinVar's aggregate classification.
Comment: Likely benign based on allele frequency in 1000 Genomes Project or ESP global frequency and its presence in a patient with a rare or unrelated disease phenotype. NOT Sanger confirmed.

NM_000553.6(WRN):c.1577-3C>A

Gene: WRN (WRN RecQ like helicase; plus strand). Cytogenetic location: 8p12.
Variant type: single nucleotide variant.
Coding change: c.1577-3C>A on transcript NM_000553.6 (MANE Select); 3 bases into the intron before coding-DNA position 1577, C replaced by A.
Molecular consequence: intron variant.
Genome position (GRCh38, 1-based): chr8:31,088,887, C>A. VCF-style: chr8-31088887-C-A. GRCh37 (hg19) VCF-style: chr8-30946403-C-A.
Other names: p.?.
Identifiers: ClinVar variation 130753 (VCV000130753.24), dbSNP rs3087409, ClinGen allele CA156008.